The following is an entry in ClinVar:

NM_000051.4(ATM):c.1926A>G (p.Glu642=)

Gene: ATM (ATM serine/threonine kinase; plus strand). Cytogenetic location: 11q22.3.
Variant type: single nucleotide variant.
Coding change: c.1926A>G on transcript NM_000051.4 (MANE Select); coding-DNA position 1926, A replaced by G.
Protein change: p.Glu642=; no amino-acid change (glutamic acid 642 retained).
Molecular consequence: synonymous variant.
Genome position (GRCh38, 1-based): chr11:108,253,841, A>G. VCF-style: chr11-108253841-A-G. GRCh37 (hg19) VCF-style: chr11-108124568-A-G.
Other names: c.1926A>G, p.Glu642= (NM_001351834.2).
Identifiers: ClinVar variation 184448 (VCV000184448.20), dbSNP rs786201469, ClinGen allele CA188993.
Genomic context (GRCh38, chr11:108,253,841, plus strand): 5'-GGTTTATATATTAAAGATCTTACTTTCTTGAAGTGAACACCACCAAAAAGATAAAGAAGA[A>G]CTTTCATTCTCAGAAGTAGAAGAACTATTTCTTCAGACAACTTTTGACAAGATGGACTTT-3'
Protein context (NP_000042.3, residues 632-652): ECEHHQKDKE[Glu642=]LSFSEVEELF

ClinVar aggregate classification (germline): Benign/Likely benign. Review status: criteria provided, multiple submitters, no conflicts (2 of 4 stars). 6 submissions from 6 submitters: Benign (1); Likely benign (4). 1 of the submissions does not count toward it. Last evaluated 2025-10-07.

Conditions:
ATM-related disorder. Also called: ATM-related disorders; ATM-related condition.
Hereditary cancer-predisposing syndrome. Also called: Tumor predisposition; Hereditary Cancer Syndrome; Hereditary neoplastic syndrome; Neoplastic Syndromes, Hereditary. Identifiers: Orphanet 140162, MedGen C0027672, MeSH D009386, MONDO:0015356.
Familial cancer of breast. Also called: BREAST CANCER, FAMILIAL; hereditary breast carcinoma; Hereditary breast cancer. Identifiers: Orphanet 227535, MedGen C0346153, MONDO:0016419, OMIM 114480. Disease mechanism: loss of function.
Ataxia-telangiectasia syndrome (AT). Also called: LOUIS-BAR SYNDROME; Cerebello-oculocutaneous telangiectasia; Immunodeficiency with ataxia telangiectasia; ATAXIA-TELANGIECTASIA, COMPLEMENTATION GROUP A; ATAXIA-TELANGIECTASIA, FRESNO VARIANT; Ataxia-telangiectasia. Identifiers: Orphanet 100, MedGen C0004135, MONDO:0008840, OMIM 208900.

Allele frequency attached by ClinVar (database versions not stated): gnomAD exomes below 0.00001; TOPMed below 0.00001.
gnomAD v4.1: 3 of 1,613,866 alleles (0.00019%); highest among the groups gnomAD compares: Non-Finnish European, 0.00025%; no homozygotes.

Submissions (6):

Labcorp Genetics (formerly Invitae), Labcorp
Classification: Likely benign for Ataxia-telangiectasia syndrome. Last evaluated: 2025-10-07. Review status: criteria provided, single submitter. Criteria: Invitae Variant Classification Sherloc (09022015). Collection method: clinical testing. Allele origin: germline.

Myriad Genetics, Inc.
Classification: Benign for Familial cancer of breast. Last evaluated: 2024-05-02. Review status: criteria provided, single submitter. Criteria: Myriad Autosomal Dominant, Autosomal Recessive and X-Linked Classification Criteria (2023). Collection method: clinical testing. Allele origin: unknown.
Comment: This variant is considered benign. This variant is a silent/synonymous amino acid change and it is not expected to impact splicing.

Color Diagnostics, LLC DBA Color Health
Classification: Likely benign for Hereditary cancer-predisposing syndrome. Last evaluated: 2019-03-26. Review status: criteria provided, single submitter. Criteria: ACMG Guidelines, 2015. Collection method: clinical testing. Allele origin: germline.

GeneDx
Classification: Likely benign. Last evaluated: 2017-05-24. Review status: criteria provided, single submitter. Criteria: GeneDx Variant Classification (06012015). Collection method: clinical testing. Allele origin: germline. Affected: yes.
Comment: This variant is considered likely benign or benign based on one or more of the following criteria: it is a conservative change, it occurs at a poorly conserved position in the protein, it is predicted to be benign by multiple in silico algorithms, and/or has population frequency not consistent with disease.

Ambry Genetics
Classification: Likely benign for Hereditary cancer-predisposing syndrome. Last evaluated: 2017-05-08. Review status: criteria provided, single submitter. Criteria: Ambry Variant Classification Scheme 2023. Collection method: clinical testing. Allele origin: germline.

PreventionGenetics, part of Exact Sciences
Classification: Likely benign for ATM-related condition. Last evaluated: 2022-07-20. Review status: no assertion criteria provided. Collection method: clinical testing. Allele origin: germline. Not counted in ClinVar's aggregate classification.
Comment: This variant is classified as likely benign based on ACMG/AMP sequence variant interpretation guidelines (Richards et al. 2015 PMID: 25741868, with internal and published modifications).